The following is an entry in ClinVar:

ClinVar aggregate classification (germline): Likely pathogenic (1 of 4 stars; one submission).

Conditions:
Hypotonia, infantile, with psychomotor retardation and characteristic facies 1 (INNFD). Identifiers: Orphanet 371364, Orphanet 700336, MedGen C3809454, MONDO:0024567, OMIM 615419.

Submission:

3billion
Classification: Likely pathogenic for Hypotonia, infantile, with psychomotor retardation and characteristic facies 1. Last evaluated: 2023-12-09. Review status: criteria provided, single submitter. Criteria: ACMG Guidelines, 2015. Collection method: clinical testing. Allele origin: germline. Affected: yes.
Comment: The variant is not observed in the gnomAD v2.1.1 dataset. Predicted Consequence/Location: Frameshift: predicted to result in a loss or disruption of normal protein function through nonsense-mediated decay (NMD) or protein truncation. Multiple pathogenic variants are reported downstream of the variant. Therefore, this variant is classified as Likely pathogenic according to the recommendation of ACMG/AMP guideline.

NM_052867.4(NALCN):c.1484_1485del (p.Phe495fs)

Gene: NALCN (sodium leak channel, non-selective; minus strand). Cytogenetic location: 13q33.1.
Variant type: Deletion.
Coding change: c.1484_1485del on transcript NM_052867.4 (MANE Select); coding-DNA positions 1484 to 1485, 2 bases deleted (TT; older notation c.1484_1485delTT).
Protein change: p.Phe495fs; shifts the reading frame from phenylalanine 495.
Molecular consequence: frameshift variant.
Genome position (GRCh38, 1-based): chr13:101,229,534-101,229,535, AA deleted on the plus strand (TT on the coding strand, the reverse complement: NALCN is on the minus strand); deleting any 2 consecutive bases within chr13:101,229,534-101,229,536 gives the same sequence; the c. name uses the placement nearest the transcript's 3' end. VCF-style (leftmost placement, unchanged base first): chr13-101229533-CAA-C. GRCh37 (hg19) VCF-style: chr13-101881884-CAA-C.
Other names: c.1484_1485del, p.Phe495fs (NM_001350748.2, NM_001350749.2); c.1397_1398del, p.Phe466fs (NM_001350750.2, NM_001350751.2); short protein forms F466fs, F495fs.
Identifiers: ClinVar variation 3776201 (VCV003776201.1).